The following is an entry in ClinVar:

NM_002878.4(RAD51D):c.746A>G (p.Asn249Ser)

Genes: RAD51D (RAD51 paralog D; minus strand), RAD51L3-RFFL (RAD51L3-RFFL readthrough; minus strand). Cytogenetic location: 17q12.
Variant type: single nucleotide variant.
Coding change: c.746A>G on transcript NM_002878.4 (MANE Select); coding-DNA position 746, A replaced by G.
Protein change: p.Asn249Ser; replaces asparagine 249 with serine.
Molecular consequence: missense variant. On other transcripts: non-coding transcript variant (3).
Genome position (GRCh38, 1-based): chr17:35,101,358, T>C on the plus strand (A>G on the coding strand, the complement: RAD51D is on the minus strand). VCF-style: chr17-35101358-T-C. GRCh37 (hg19) VCF-style: chr17-33428377-T-C.
Other names: c.806A>G, p.Asn269Ser (NM_001142571.2); c.410A>G, p.Asn137Ser (NM_133629.3); short protein forms N249S, N269S, N137S.
Identifiers: ClinVar variation 963521 (VCV000963521.7), dbSNP rs2091536171, ClinGen allele CA399086979.

ClinVar aggregate classification (germline): Uncertain significance. Review status: criteria provided, multiple submitters, no conflicts (2 of 4 stars). 2 submissions from 2 submitters: Uncertain significance (2). Last evaluated 2025-10-29.

Conditions:
Breast-ovarian cancer, familial, susceptibility to, 4. Identifiers: Orphanet 145, MedGen C3280345, MONDO:0013669, OMIM 614291.

Allele frequency attached by ClinVar (database versions not stated): gnomAD exomes below 0.00001.
gnomAD v4.1: 1 of 1,613,724 alleles (0.000062%); highest among the groups gnomAD compares: Non-Finnish European, 0.000085%; no homozygotes.

Submissions (2):

Labcorp Genetics (formerly Invitae), Labcorp
Classification: Uncertain significance for Breast-ovarian cancer, familial, susceptibility to, 4. Last evaluated: 2025-10-29. Review status: criteria provided, single submitter. Criteria: Invitae Variant Classification Sherloc (09022015). Collection method: clinical testing. Allele origin: germline.
Comment: This sequence change replaces asparagine, which is neutral and polar, with serine, which is neutral and polar, at codon 249 of the RAD51D protein (p.Asn249Ser). This variant is not present in population databases (gnomAD no frequency). This variant has not been reported in the literature in individuals affected with RAD51D-related conditions. ClinVar contains an entry for this variant (Variation ID: 963521). Invitae Evidence Modeling of protein sequence and biophysical properties (such as structural, functional, and spatial information, amino acid conservation, physicochemical variation, residue mobility, and thermodynamic stability) indicates that this missense variant is not expected to disrupt RAD51D protein function with a negative predictive value of 80%. In summary, the available evidence is currently insufficient to determine the role of this variant in disease. Therefore, it has been classified as a Variant of Uncertain Significance.

Blueprint Genetics
Classification: Uncertain significance. Last evaluated: 2023-10-27. Review status: criteria provided, single submitter. Criteria: ACMG Guidelines, 2015. Collection method: clinical testing. Allele origin: germline.